The following is an entry in ClinVar:

NM_139027.6(ADAMTS13):c.1244+6G>A

Gene: ADAMTS13 (ADAM metallopeptidase with thrombospondin type 1 motif 13; plus strand). Cytogenetic location: 9q34.2.
Variant type: single nucleotide variant.
Coding change: c.1244+6G>A on transcript NM_139027.6 (MANE Select); 6 bases into the intron after coding-DNA position 1244, G replaced by A.
Molecular consequence: intron variant.
Genome position (GRCh38, 1-based): chr9:133,433,535, G>A. VCF-style: chr9-133433535-G-A. GRCh37 (hg19) VCF-style: chr9-136298655-G-A.
Other names: c.1244+6G>A (NM_139025.5); c.1151+6G>A (NM_139026.6).
Identifiers: ClinVar variation 2419080 (VCV002419080.3), dbSNP rs782596578, ClinGen allele CA200927002.

ClinVar aggregate classification (germline): Uncertain significance (1 of 4 stars; one submission).

Allele frequency attached by ClinVar (database versions not stated): ExAC 0.00003; gnomAD 0.00005; TOPMed 0.00006.
gnomAD v4.1: 152 of 1,613,432 alleles (0.0094%); highest among the groups gnomAD compares: Non-Finnish European, 0.012%; no homozygotes.

Submission:

Labcorp Genetics (formerly Invitae), Labcorp
Classification: Uncertain significance. Last evaluated: 2022-08-21. Review status: criteria provided, single submitter. Criteria: Invitae Variant Classification Sherloc (09022015). Collection method: clinical testing. Allele origin: germline.
Comment: This sequence change falls in intron 10 of the ADAMTS13 gene. It does not directly change the encoded amino acid sequence of the ADAMTS13 protein. It affects a nucleotide within the consensus splice site. The frequency data for this variant in the population databases is considered unreliable, as metrics indicate poor data quality at this position in the gnomAD database. This variant has not been reported in the literature in individuals affected with ADAMTS13-related conditions. Variants that disrupt the consensus splice site are a relatively common cause of aberrant splicing (PMID: 17576681, 9536098). Algorithms developed to predict the effect of sequence changes on RNA splicing suggest that this variant is not likely to affect RNA splicing. In summary, the available evidence is currently insufficient to determine the role of this variant in disease. Therefore, it has been classified as a Variant of Uncertain Significance.

Literature cited by the submitters: PubMed 17576681; PubMed 9536098.